The following is an entry in ClinVar:

NM_004320.6(ATP2A1):c.640A>G (p.Ile214Val)

Gene: ATP2A1 (ATPase sarcoplasmic/endoplasmic reticulum Ca2+ transporting 1; plus strand). Cytogenetic location: 16p11.2.
Variant type: single nucleotide variant.
Coding change: c.640A>G on transcript NM_004320.6 (MANE Select); coding-DNA position 640, A replaced by G.
Protein change: p.Ile214Val; replaces isoleucine 214 with valine.
Molecular consequence: missense variant.
Genome position (GRCh38, 1-based): chr16:28,887,434, A>G. VCF-style: chr16-28887434-A-G. GRCh37 (hg19) VCF-style: chr16-28898755-A-G.
Other names: c.265A>G, p.Ile89Val (NM_001286075.2); c.640A>G, p.Ile214Val (NM_173201.5); short protein forms I214V, I89V.
Identifiers: ClinVar variation 393090 (VCV000393090.11), dbSNP rs770199753, ClinGen allele CA7986740.
Genomic context (GRCh38, chr16:28,887,434, plus strand): 5'-GCATGAGGGTCACCTCTTGCCTGATTCCCTGCCTCCTCTTTCCCTTCCCAGGGCACCAAC[A>G]TTGCAGCCGGCAAGGCCTTGGGCATCGTGGCCACCACTGGTGTGGGCACCGAGATTGGGA-3'
Protein context (NP_004311.1, residues 204-224): KKNMLFSGTN[Ile214Val]AAGKALGIVA

ClinVar aggregate classification (germline): Uncertain significance. Review status: criteria provided, multiple submitters, no conflicts (2 of 4 stars). 4 submissions from 4 submitters: Uncertain significance (4). Last evaluated 2025-02-08.

Conditions:
Inborn genetic diseases. Identifiers: MedGen C0950123, MeSH D030342.
Brody myopathy. Also called: BRODY DISEASE. Identifiers: Orphanet 53347, MedGen C1832918, MONDO:0010977, OMIM 601003.

Allele frequency attached by ClinVar (database versions not stated): gnomAD 0.00001 and 0.00002; TOPMed 0.00004; gnomAD exomes 0.00006; ExAC 0.00007.
gnomAD v4.1: 30 of 1,613,838 alleles (0.0019%); highest among the groups gnomAD compares: East Asian, 0.065%; no homozygotes.

Submissions (4):

Ambry Genetics
Classification: Uncertain significance for Inborn genetic diseases. Last evaluated: 2025-02-08. Review status: criteria provided, single submitter. Criteria: Ambry Variant Classification Scheme 2023. Collection method: clinical testing. Allele origin: germline.

Labcorp Genetics (formerly Invitae), Labcorp
Classification: Uncertain significance for Brody myopathy. Last evaluated: 2020-12-29. Review status: criteria provided, single submitter. Criteria: Invitae Variant Classification Sherloc (09022015). Collection method: clinical testing. Allele origin: germline.
Comment: This sequence change replaces isoleucine with valine at codon 214 of the ATP2A1 protein (p.Ile214Val). The isoleucine residue is weakly conserved and there is a small physicochemical difference between isoleucine and valine. In summary, the available evidence is currently insufficient to determine the role of this variant in disease. Therefore, it has been classified as a Variant of Uncertain Significance. Algorithms developed to predict the effect of missense changes on protein structure and function (SIFT, PolyPhen-2, Align-GVGD) all suggest that this variant is likely to be tolerated, but these predictions have not been confirmed by published functional studies and their clinical significance is uncertain. This variant has not been reported in the literature in individuals with ATP2A1-related conditions. ClinVar contains an entry for this variant (Variation ID: 393090). This variant is present in population databases (rs770199753, ExAC 0.09%).

GeneDx
Classification: Uncertain significance. Last evaluated: 2017-01-25. Review status: criteria provided, single submitter. Criteria: GeneDx Variant Classification (06012015). Collection method: clinical testing. Allele origin: germline. Affected: yes.
Comment: The I214V variant has not been published as a pathogenic variant, nor has it been reported as a benign variant to our knowledge. The I214V variant is not observed at a significant frequency in large population cohorts (Lek et al., 2016; 1000 Genomes Consortium et al., 2015; Exome Variant Server). This variant is a conservative amino acid substitution, which is not likely to impact secondary protein structure as these residues share similar properties. However, this substitution occurs at a position that is conserved across species, and in silico analysis is inconsistent in its predictions as to whether or not the variant is damaging to the protein structure/function.

Athena Diagnostics
Classification: Uncertain significance. Last evaluated: 2016-12-30. Review status: criteria provided, single submitter. Criteria: Athena Diagnostics Criteria. Collection method: clinical testing. Allele origin: germline.